The following is an entry in ClinVar:

NM_000069.3(CACNA1S):c.4802C>T (p.Thr1601Ile)

Gene: CACNA1S (calcium voltage-gated channel subunit alpha1 S; minus strand). Cytogenetic location: 1q32.1.
Variant type: single nucleotide variant.
Coding change: c.4802C>T on transcript NM_000069.3 (MANE Select); coding-DNA position 4802, C replaced by T.
Protein change: p.Thr1601Ile; replaces threonine 1601 with isoleucine.
Molecular consequence: missense variant.
Genome position (GRCh38, 1-based): chr1:201,043,527, G>A on the plus strand (C>T on the coding strand, the complement: CACNA1S is on the minus strand). VCF-style: chr1-201043527-G-A. GRCh37 (hg19) VCF-style: chr1-201012655-G-A.
Other names: short protein forms T1601I.
Identifiers: ClinVar variation 5008474 (VCV005008474.1).

ClinVar aggregate classification (germline): Uncertain significance (1 of 4 stars; one submission).

Submission:

GeneDx
Classification: Uncertain significance. Last evaluated: 2026-03-05. Review status: criteria provided, single submitter. Criteria: GeneDx Variant Classification Process June 2021. Collection method: clinical testing. Allele origin: germline.
Comment: Not observed at significant frequency in large population cohorts (gnomAD); In silico analysis supports that this missense variant has a deleterious effect on protein structure/function; Has not been previously published as pathogenic or benign to our knowledge